The following is an entry in ClinVar:

NM_000400.4(ERCC2):c.1747A>C (p.Lys583Gln)

Gene: ERCC2 (ERCC excision repair 2, TFIIH core complex helicase subunit; minus strand). Cytogenetic location: 19q13.32.
Variant type: single nucleotide variant.
Coding change: c.1747A>C on transcript NM_000400.4 (MANE Select); coding-DNA position 1747, A replaced by C.
Protein change: p.Lys583Gln; replaces lysine 583 with glutamine.
Molecular consequence: missense variant.
Genome position (GRCh38, 1-based): chr19:45,353,253, T>G on the plus strand (A>C on the coding strand, the complement: ERCC2 is on the minus strand). VCF-style: chr19-45353253-T-G. GRCh37 (hg19) VCF-style: chr19-45856511-T-G.
Other names: short protein forms K583Q.
Identifiers: ClinVar variation 1447028 (VCV001447028.10), dbSNP rs1971888563, ClinGen allele CA406364334.

ClinVar aggregate classification (germline): Uncertain significance. Review status: criteria provided, multiple submitters, no conflicts (2 of 4 stars). 2 submissions from 2 submitters: Uncertain significance (2). Last evaluated 2021-10-12.

Conditions:
Inborn genetic diseases. Identifiers: MedGen C0950123, MeSH D030342.

Allele frequency attached by ClinVar (database versions not stated): TOPMed below 0.00001; gnomAD 0.00001.

Submissions (2):

Ambry Genetics
Classification: Uncertain significance for Inborn genetic diseases. Last evaluated: 2021-10-12. Review status: criteria provided, single submitter. Criteria: Ambry Variant Classification Scheme 2023. Collection method: clinical testing. Allele origin: germline.
Comment: The p.K583Q variant (also known as c.1747A>C), located in coding exon 18 of the ERCC2 gene, results from an A to C substitution at nucleotide position 1747. The lysine at codon 583 is replaced by glutamine, an amino acid with similar properties. This amino acid position is conserved. In addition, the in silico prediction for this alteration is inconclusive. Since supporting evidence is limited at this time, the clinical significance of this alteration remains unclear.

Labcorp Genetics (formerly Invitae), Labcorp
Classification: Uncertain significance. Last evaluated: 2021-07-22. Review status: criteria provided, single submitter. Criteria: Invitae Variant Classification Sherloc (09022015). Collection method: clinical testing. Allele origin: germline.
Comment: This variant is not present in population databases (ExAC no frequency). This sequence change replaces lysine with glutamine at codon 583 of the ERCC2 protein (p.Lys583Gln). The lysine residue is moderately conserved and there is a small physicochemical difference between lysine and glutamine. This variant has not been reported in the literature in individuals affected with ERCC2-related conditions. In summary, the available evidence is currently insufficient to determine the role of this variant in disease. Therefore, it has been classified as a Variant of Uncertain Significance. Algorithms developed to predict the effect of missense changes on protein structure and function are either unavailable or do not agree on the potential impact of this missense change (SIFT: "Tolerated"; PolyPhen-2: "Possibly Damaging"; Align-GVGD: "Class C0").